The following is an entry in ClinVar:

NM_000059.4(BRCA2):c.4030_4035delinsC (p.Asn1344fs)

Gene: BRCA2 (BRCA2 DNA repair associated; plus strand). Cytogenetic location: 13q13.1.
Variant type: Indel.
Coding change: c.4030_4035delinsC on transcript NM_000059.4 (MANE Select); coding-DNA positions 4030 to 4035, AATGAT replaced by C.
Protein change: p.Asn1344fs; shifts the reading frame from asparagine 1344.
Molecular consequence: frameshift variant.
Genome position (GRCh38, 1-based): chr13:32,338,385-32,338,390, AATGAT replaced by C. VCF-style: chr13-32338385-AATGAT-C. GRCh37 (hg19) VCF-style: chr13-32912522-AATGAT-C.
Other names: 4258_4263delAATGATinsC; c.4030_4035delAATGATinsC (NM_000059.3); short protein forms N1344fs.
Identifiers: ClinVar variation 266788 (VCV000266788.24), dbSNP rs886040509, ClinGen allele CA10589238.

ClinVar aggregate classification (germline): Pathogenic. Review status: reviewed by expert panel (3 of 4 stars). 11 submissions from 11 submitters: Pathogenic (1). 10 of the submissions do not count toward it. Last evaluated 2016-10-18.

Conditions:
Hereditary cancer-predisposing syndrome. Also called: Tumor predisposition; Hereditary neoplastic syndrome; Neoplastic Syndromes, Hereditary; Hereditary Cancer Syndrome. Identifiers: Orphanet 140162, MedGen C0027672, MeSH D009386, MONDO:0015356.
Familial prostate cancer. Also called: Hereditary Prostate Cancer. Identifiers: MedGen C2931456, MONDO:0700275, OMIM 176807.
Hereditary breast ovarian cancer syndrome. Also called: Hereditary breast and ovarian cancer; BRCA1- and BRCA2-Associated Hereditary Breast and Ovarian Cancer; Hereditary breast and ovarian cancer syndrome (HBOC); Hereditary breast and/or ovarian cancer syndrome; Hereditary breast and ovarian cancer syndrome; Breast and ovarian cancer. Identifiers: Orphanet 145, MedGen C0677776, MeSH D061325, MONDO:0003582. Disease mechanism: loss of function.
Breast-ovarian cancer, familial, susceptibility to, 2 (BROVCA2). Also called: BRCA2 Hereditary Breast and Ovarian Cancer. Identifiers: Orphanet 145, MedGen C2675520, MONDO:0012933, OMIM 612555. Disease mechanism: loss of function.
Familial cancer of breast. Also called: hereditary breast carcinoma; BREAST CANCER, FAMILIAL; Hereditary breast cancer. Identifiers: Orphanet 227535, MedGen C0346153, MONDO:0016419, OMIM 114480. Disease mechanism: loss of function.

Submissions (11):

Evidence-based Network for the Interpretation of Germline Mutant Alleles (ENIGMA)
Classification: Pathogenic for Breast-ovarian cancer, familial, susceptibility to, 2. Last evaluated: 2016-10-18. Review status: reviewed by expert panel. Criteria: ENIGMA BRCA1/2 Classification Criteria (2015). Collection method: curation. Allele origin: germline.
Comment: Variant allele predicted to encode a truncated non-functional protein.

GeneDx
Classification: Pathogenic. Last evaluated: 2025-07-15. Review status: criteria provided, single submitter. Criteria: GeneDx Variant Classification Process June 2021. Collection method: clinical testing. Allele origin: germline. Affected: yes. Not counted in ClinVar's aggregate classification.
Comment: Identified in several individuals with breast and/or ovarian cancer (PMID: 23683081); Frameshift variant predicted to result in protein truncation or nonsense mediated decay in a gene for which loss-of-function is a known mechanism of disease; Truncating variants in this gene are considered pathogenic by a well-established clinical consortium and/or database; Not observed at significant frequency in large population cohorts (gnomAD); Also known as 4258_4263delinsC; This variant is associated with the following publications: (PMID: 36881271, 23683081, 38922859)

Ambry Genetics
Classification: Pathogenic for Hereditary cancer-predisposing syndrome. Last evaluated: 2025-07-11. Review status: criteria provided, single submitter. Criteria: Ambry Variant Classification Scheme 2023. Collection method: clinical testing. Allele origin: germline. Not counted in ClinVar's aggregate classification.
Comment: The c.4030_4035delAATGATinsC pathogenic mutation, located in coding exon 10 of the BRCA2 gene, results from the deletion of 6 nucleotides (AATGAT) and insertion of one nucleotide (C), causing a translational frameshift with a predicted alternate stop codon (p.N1344Hfs*6). In one study, this mutation was identified in six breast and/or ovarian cancer families from a small, geographically isolated region in Northern Spain (Blay P et al. BMC Cancer, 2013 May;13:243). This variant is considered to be rare based on population cohorts in the Genome Aggregation Database (gnomAD). This alteration is expected to result in loss of function by premature protein truncation or nonsense-mediated mRNA decay. As such, this alteration is interpreted as a disease-causing mutation.

Labcorp Genetics (formerly Invitae), Labcorp
Classification: Pathogenic for Hereditary breast ovarian cancer syndrome. Last evaluated: 2024-06-04. Review status: criteria provided, single submitter. Criteria: Invitae Variant Classification Sherloc (09022015). Collection method: clinical testing. Allele origin: germline. Not counted in ClinVar's aggregate classification.
Comment: This sequence change creates a premature translational stop signal (p.Asn1344Hisfs*6) in the BRCA2 gene. It is expected to result in an absent or disrupted protein product. Loss-of-function variants in BRCA2 are known to be pathogenic (PMID: 20104584). Information on the frequency of this variant in the gnomAD database is not available, as this variant may be reported differently in the database. This premature translational stop signal has been observed in individual(s) with breast and ovarian cancer (PMID: 23683081). ClinVar contains an entry for this variant (Variation ID: 662883). For these reasons, this variant has been classified as Pathogenic.

All of Us Research Program, National Institutes of Health
Classification: Pathogenic for Breast-ovarian cancer, familial, susceptibility to, 2. Last evaluated: 2023-10-02. Review status: criteria provided, single submitter. Criteria: ACMG Guidelines, 2015. Collection method: clinical testing. Allele origin: germline. Inheritance: Autosomal dominant inheritance. Observed: 1 variant allele, 1 heterozygote. Not counted in ClinVar's aggregate classification.
Comment: This variant deletes 6 nucleotides and inserts 1 nucleotide in exon 11 of the BRCA2 gene, creating a frameshift and premature translation stop signal. This variant is expected to result in an absent or non-functional protein product. This variant has been reported in 10 individuals affected with breast and ovarian cancer from 6 families in Northern Spain (PMID: 23683081). This variant has not been identified in the general population by the Genome Aggregation Database (gnomAD). Loss of BRCA2 function is a known mechanism of disease. Based on the available evidence, this variant is classified as Pathogenic.

This study involves interpretation of variants in research participants for the purpose of population health screening. Participant phenotype was not available at the time of variant classification. Additional details can be found in publication PMID: 35346344, PMCID: PMC8962531

Color Diagnostics, LLC DBA Color Health
Classification: Pathogenic for Hereditary cancer-predisposing syndrome. Last evaluated: 2023-09-15. Review status: criteria provided, single submitter. Criteria: ACMG Guidelines, 2015. Collection method: clinical testing. Allele origin: germline. Not counted in ClinVar's aggregate classification.
Comment: This variant deletes 6 nucleotides and inserts 1 nucleotide in exon 11 of the BRCA2 gene, creating a frameshift and premature translation stop signal. This variant is expected to result in an absent or non-functional protein product. This variant has been reported in 10 individuals affected with breast and ovarian cancer from 6 families in Northern Spain (PMID: 23683081). This variant has not been identified in the general population by the Genome Aggregation Database (gnomAD). Loss of BRCA2 function is a known mechanism of disease. Based on the available evidence, this variant is classified as Pathogenic.

Baylor Genetics
Classification: Pathogenic for Familial cancer of breast. Last evaluated: 2022-10-31. Review status: criteria provided, single submitter. Criteria: ACMG Guidelines, 2015. Collection method: clinical testing. Allele origin: unknown. Not counted in ClinVar's aggregate classification.

PreventionGenetics, part of Exact Sciences
Classification: Pathogenic. Last evaluated: 2018-01-08. Review status: criteria provided, single submitter. Criteria: ACMG Guidelines, 2015. Collection method: clinical testing. Allele origin: germline. Not counted in ClinVar's aggregate classification.

Consortium of Investigators of Modifiers of BRCA1/2 (CIMBA), c/o University of Cambridge
Classification: Pathogenic for Breast-ovarian cancer, familial, susceptibility to, 2. Last evaluated: 2015-10-02. Review status: criteria provided, single submitter. Criteria: CIMBA Mutation Classification guidelines May 2016. Collection method: clinical testing. Allele origin: germline. Not counted in ClinVar's aggregate classification.

Genesis Genomics
Classification: Pathogenic for Familial prostate cancer. Review status: criteria provided, single submitter. Criteria: ACMG Guidelines, 2015. Collection method: clinical testing. Allele origin: germline. Affected: yes. Observed: 1 variant allele. Not counted in ClinVar's aggregate classification.

Molecular Oncology, Hospital Universitario Central de Asturias (HUCA)
Classification: Pathogenic for Breast-ovarian cancer, familial, susceptibility to, 2. Last evaluated: 2021-05-24. Review status: no assertion criteria provided. Collection method: case-control. Allele origin: germline. Affected: yes. Not counted in ClinVar's aggregate classification.

Literature cited by the submitters: PubMed 23683081 (cited by 4 submitters); PubMed 20104584 (cited by Labcorp Genetics (formerly Invitae), Labcorp); PubMed 38922859 (cited by Molecular Oncology, Hospital Universitario Central de Asturias (HUCA)).